The following is an entry in ClinVar:

ClinVar aggregate classification (germline): Uncertain significance. Review status: criteria provided, multiple submitters, no conflicts (2 of 4 stars). 2 submissions from 2 submitters: Uncertain significance (2). Last evaluated 2025-04-12.

Conditions:
Inborn genetic diseases. Identifiers: MedGen C0950123, MeSH D030342.

Allele frequency attached by ClinVar (database versions not stated): gnomAD 0.00002 and 0.00003; gnomAD exomes 0.00002 and 0.00011; TOPMed 0.00003; ExAC 0.00004.
gnomAD v4.1: 157 of 1,609,086 alleles (0.0098%); highest among the groups gnomAD compares: Non-Finnish European, 0.013%; no homozygotes.

Submissions (2):

Ambry Genetics
Classification: Uncertain significance for Inborn genetic diseases. Last evaluated: 2025-04-12. Review status: criteria provided, single submitter. Criteria: Ambry Variant Classification Scheme 2023. Collection method: clinical testing. Allele origin: germline.

Labcorp Genetics (formerly Invitae), Labcorp
Classification: Uncertain significance. Last evaluated: 2022-09-16. Review status: criteria provided, single submitter. Criteria: Invitae Variant Classification Sherloc (09022015). Collection method: clinical testing. Allele origin: germline.
Comment: This sequence change replaces valine, which is neutral and non-polar, with isoleucine, which is neutral and non-polar, at codon 3 of the SLC25A12 protein (p.Val3Ile). This variant is present in population databases (rs769545575, gnomAD 0.006%). This variant has not been reported in the literature in individuals affected with SLC25A12-related conditions. ClinVar contains an entry for this variant (Variation ID: 934648). Algorithms developed to predict the effect of missense changes on protein structure and function (SIFT, PolyPhen-2, Align-GVGD) all suggest that this variant is likely to be tolerated. In summary, the available evidence is currently insufficient to determine the role of this variant in disease. Therefore, it has been classified as a Variant of Uncertain Significance.

NM_003705.5(SLC25A12):c.7G>A (p.Val3Ile)

Gene: SLC25A12 (solute carrier family 25 member 12; minus strand). Cytogenetic location: 2q31.1.
Variant type: single nucleotide variant.
Coding change: c.7G>A on transcript NM_003705.5 (MANE Select); coding-DNA position 7, G replaced by A.
Protein change: p.Val3Ile; replaces valine 3 with isoleucine.
Molecular consequence: missense variant. On other transcripts: non-coding transcript variant (1).
Genome position (GRCh38, 1-based): chr2:171,894,208, C>T on the plus strand (G>A on the coding strand, the complement: SLC25A12 is on the minus strand). VCF-style: chr2-171894208-C-T. GRCh37 (hg19) VCF-style: chr2-172750718-C-T.
Other names: c.7G>A (NM_003705.3); short protein forms V3I.
Identifiers: ClinVar variation 934648 (VCV000934648.8), dbSNP rs769545575, ClinGen allele CA1966535.
Genomic context (GRCh38, chr2:171,894,208, plus strand): 5'-GGGCGCTCGGAATGTCTCTTATGCAATAAAAGCAGCAGCAGAGAGTTGGAGTCACCTTGA[C>T]CGCCATGCTGTGCTCGGAAGCCGGGGACGAGCGAGTGAGCGAGCAGGGCCGAGCTGTCAG-3'
Protein context (NP_003696.2, residues 1-13): MA[Val3Ile]KVQTTKRGDP